The following is an entry in ClinVar:

ClinVar aggregate classification (germline): Benign/Likely benign. Review status: criteria provided, multiple submitters, no conflicts (2 of 4 stars). 3 submissions from 3 submitters: Benign (1); Likely benign (2). Last evaluated 2026-01-26.

Conditions:
Neuronal ceroid lipofuscinosis. Also called: Neuronal Ceroid Lipofuscinoses. Identifiers: Orphanet 216, Orphanet 79263, MedGen C0027877, MONDO:0016295. Disease mechanism: loss of function.

Allele frequency attached by ClinVar (database versions not stated): gnomAD 0.00006; ESP Exome Variant Server 0.00008; TOPMed 0.00018.
gnomAD v4.1: 44 of 1,614,124 alleles (0.0027%); highest among the groups gnomAD compares: African/African-American, 0.023%; no homozygotes.

Submissions (3):

Labcorp Genetics (formerly Invitae), Labcorp
Classification: Likely benign for Neuronal ceroid lipofuscinosis. Last evaluated: 2026-01-26. Review status: criteria provided, single submitter. Criteria: Invitae Variant Classification Sherloc (09022015). Collection method: clinical testing. Allele origin: germline.

Blueprint Genetics
Classification: Likely benign. Last evaluated: 2024-06-27. Review status: criteria provided, single submitter. Criteria: ACMG Guidelines, 2015. Collection method: clinical testing. Allele origin: germline.

GeneDx
Classification: Benign. Last evaluated: 2015-07-14. Review status: criteria provided, single submitter. Criteria: GeneDx Variant Classification (06012015). Collection method: clinical testing. Allele origin: germline. Affected: yes.
Comment: This variant is considered likely benign or benign based on one or more of the following criteria: it is a conservative change, it occurs at a poorly conserved position in the protein, it is predicted to be benign by multiple in silico algorithms, and/or has population frequency not consistent with disease.

NM_001042432.2(CLN3):c.1197+13C>T

Gene: CLN3 (CLN3 lysosomal/endosomal transmembrane protein, battenin; minus strand). Cytogenetic location: 16p12.1.
Variant type: single nucleotide variant.
Coding change: c.1197+13C>T on transcript NM_001042432.2 (MANE Select); 13 bases into the intron after coding-DNA position 1197, C replaced by T.
Molecular consequence: intron variant.
Genome position (GRCh38, 1-based): chr16:28,477,724, G>A on the plus strand (C>T on the coding strand, the complement: CLN3 is on the minus strand). VCF-style: chr16-28477724-G-A. GRCh37 (hg19) VCF-style: chr16-28489045-G-A.
Other names: c.963+13C>T (NM_001286109.2); c.1125+13C>T (NM_001286104.2); c.897+13C>T (NM_001286105.2); c.1035+13C>T (NM_001286110.2); c.1197+13C>T (NM_000086.2).
Identifiers: ClinVar variation 380253 (VCV000380253.9), dbSNP rs370103287, ClinGen allele CA7980662.
Genomic context (GRCh38, chr16:28,477,724, plus strand): 5'-TTCAGTCCCAGACATCCCTGCCCTGGGTGTCCCTGGACAGGCCACCCCCAGCCCTTGCCC[G>A]GCCAATGCTGACCTCCAGGGCGATGTTGTGGAAGGTGTTCACGTAGGCTGCGCCTCCCAG-3'